The following is an entry in ClinVar:

ClinVar aggregate classification (germline): Uncertain significance (1 of 4 stars; one submission).

Conditions:
TNFRSF1A-related disorder. Also called: TNFRSF1A-related condition.

Submission:

PreventionGenetics, part of Exact Sciences
Classification: Uncertain significance for TNFRSF1A-related condition. Last evaluated: 2026-05-17. Review status: criteria provided, single submitter. Criteria: ACMG Guidelines, 2015. Collection method: clinical testing. Allele origin: germline.
Comment: The TNFRSF1A c.605T>G variant is predicted to result in the amino acid substitution p.Val202Gly. This variant, along with a variant in MEFV, has been reported in an individual with tumor necrosis factor (TNF) receptor-associated periodic fever syndrome (TRAPS) (Hua et al. 2019. PubMed ID: 31155445). This variant has not been reported in a large population database (gnomAD), indicating this variant is rare. At this time, the clinical significance of this variant is uncertain due to the absence of conclusive functional and genetic evidence.

NM_001065.4(TNFRSF1A):c.605T>G (p.Val202Gly)

Gene: TNFRSF1A (TNF receptor superfamily member 1A; minus strand). Cytogenetic location: 12p13.31.
Variant type: single nucleotide variant.
Coding change: c.605T>G on transcript NM_001065.4 (MANE Select); coding-DNA position 605, T replaced by G.
Protein change: p.Val202Gly; replaces valine 202 with glycine.
Molecular consequence: missense variant.
Genome position (GRCh38, 1-based): chr12:6,330,873, A>C on the plus strand (T>G on the coding strand, the complement: TNFRSF1A is on the minus strand). VCF-style: chr12-6330873-A-C. GRCh37 (hg19) VCF-style: chr12-6440039-A-C.
Other names: c.281T>G, p.Val94Gly (NM_001346091.2); c.146T>G, p.Val49Gly (NM_001346092.2); short protein forms V202G, V94G, V49G.
Identifiers: ClinVar variation 4992508 (VCV004992508.1).